The following is an entry in ClinVar:

ClinVar aggregate classification (germline): Uncertain significance (1 of 4 stars; one submission).

Conditions:
Candidiasis, familial, 8 (CANDF8). Identifiers: Orphanet 1334, MedGen C3714992, MONDO:0014230, OMIM 615527.

Submission:

Labcorp Genetics (formerly Invitae), Labcorp
Classification: Uncertain significance for Candidiasis, familial, 8. Last evaluated: 2022-10-05. Review status: criteria provided, single submitter. Criteria: Invitae Variant Classification Sherloc (09022015). Collection method: clinical testing. Allele origin: germline.
Comment: This variant is present in population databases (rs746767211, gnomAD 0.0009%). This variant, c.934_936del, results in the deletion of 1 amino acid(s) of the TRAF3IP2 protein (p.Lys312del), but otherwise preserves the integrity of the reading frame. This variant has not been reported in the literature in individuals affected with TRAF3IP2-related conditions. In summary, the available evidence is currently insufficient to determine the role of this variant in disease. Therefore, it has been classified as a Variant of Uncertain Significance. Experimental studies and prediction algorithms are not available or were not evaluated, and the functional significance of this variant is currently unknown.

NM_147686.4(TRAF3IP2):c.934_936del (p.Lys312del)

Genes: TRAF3IP2 (TRAF3 interacting protein 2; minus strand), TRAF3IP2-AS1 (TRAF3IP2 antisense RNA 1; plus strand). Cytogenetic location: 6q21.
Variant type: Deletion.
Coding change: c.934_936del on transcript NM_147686.4 (MANE Select); coding-DNA positions 934 to 936, 3 bases deleted (AAG; older notation c.934_936delAAG).
Protein change: p.Lys312del; deletes lysine 312.
Molecular consequence: inframe deletion.
Genome position (GRCh38, 1-based): chr6:111,580,283-111,580,285, CTT deleted on the plus strand (AAG on the coding strand, the reverse complement: TRAF3IP2 is on the minus strand); deleting any 3 consecutive bases within chr6:111,580,283-111,580,287 gives the same sequence; the c. name uses the placement nearest the transcript's 3' end. VCF-style (leftmost placement, unchanged base first): chr6-111580282-CCTT-C. GRCh37 (hg19) VCF-style: chr6-111901485-CCTT-C.
Other names: c.934_936del, p.Lys312del (NM_001164281.3); c.961_963del, p.Lys321del (NM_147200.3); short protein forms K321del, K312del.
Identifiers: ClinVar variation 1940192 (VCV001940192.4), dbSNP rs746767211, ClinGen allele CA3963224.